The following is an entry in ClinVar:

ClinVar aggregate classification (germline): Uncertain significance. Review status: criteria provided, multiple submitters, no conflicts (2 of 4 stars). 2 submissions from 2 submitters: Uncertain significance (2). Last evaluated 2026-07-13.

Conditions:
Inborn genetic diseases. Identifiers: MedGen C0950123, MeSH D030342.

gnomAD v4.1: 2 of 1,614,194 alleles (0.00012%); highest among the groups gnomAD compares: Non-Finnish European, 0.00017%; no homozygotes.

Submissions (2):

Ambry Genetics
Classification: Uncertain significance for Inborn genetic diseases. Last evaluated: 2026-07-13. Review status: criteria provided, single submitter. Criteria: Ambry Variant Classification Scheme 2023. Collection method: clinical testing. Allele origin: germline.
Comment: The c.1566C>G (p.D522E) alteration is located in exon 11 (coding exon 11) of the ACOX1 gene. This alteration results from a C to G substitution at nucleotide position 1566, causing the aspartic acid (D) at amino acid position 522 to be replaced by a glutamic acid (E). Based on data from gnomAD, the G allele has an overall frequency of <0.001% (1/251466) total alleles studied. The highest observed frequency was 0.001% (1/113746) of European (non-Finnish) alleles. Based on insufficient or conflicting evidence, the clinical significance of this alteration remains unclear.

Women's Health and Genetics/Laboratory Corporation of America, LabCorp
Classification: Uncertain significance. Last evaluated: 2024-09-30. Review status: criteria provided, single submitter. Criteria: LabCorp Variant Classification Summary - May 2015. Collection method: clinical testing. Allele origin: germline.
Comment: Variant summary: ACOX1 c.1566C>G (p.Asp522Glu) results in a conservative amino acid change located in the Acyl-CoA oxidase, C-terminal domain (IPR002655) of the encoded protein sequence. Four of five in-silico tools predict a benign effect of the variant on protein function. The variant allele was found at a frequency of 4e-06 in 251466 control chromosomes. The available data on variant occurrences in the general population are insufficient to allow any conclusion about variant significance. To our knowledge, no occurrence of c.1566C>G in individuals affected with Pseudoneonatal Adrenoleukodystrophy and no experimental evidence demonstrating its impact on protein function have been reported. No submitters have cited clinical-significance assessments for this variant to ClinVar. Based on the evidence outlined above, the variant was classified as uncertain significance.

NM_004035.7(ACOX1):c.1566C>G (p.Asp522Glu)

Gene: ACOX1 (acyl-CoA oxidase 1; minus strand). Cytogenetic location: 17q25.1.
Variant type: single nucleotide variant.
Coding change: c.1566C>G on transcript NM_004035.7 (MANE Select); coding-DNA position 1566, C replaced by G.
Protein change: p.Asp522Glu; replaces aspartic acid 522 with glutamic acid.
Molecular consequence: missense variant.
Genome position (GRCh38, 1-based): chr17:75,949,513, G>C on the plus strand (C>G on the coding strand, the complement: ACOX1 is on the minus strand). VCF-style: chr17-75949513-G-C. GRCh37 (hg19) VCF-style: chr17-73945594-G-C.
Other names: c.1452C>G, p.Asp484Glu (NM_001185039.2); c.1566C>G, p.Asp522Glu (NM_007292.6); c.1566C>G (NM_004035.6); short protein forms D484E, D522E.
Identifiers: ClinVar variation 3375081 (VCV003375081.2).